The following is an entry in ClinVar:

ClinVar aggregate classification (germline): Likely benign. Review status: criteria provided, multiple submitters, no conflicts (2 of 4 stars). 2 submissions from 2 submitters: Likely benign (2). Last evaluated 2018-06-12.

Allele frequency attached by ClinVar (database versions not stated): TOPMed 0.00848; gnomAD 0.00871 and 0.00958; 1000 Genomes Project 0.01278; 1000 Genomes Project 30x 0.01280.
gnomAD v4.1: 15,084 of 1,299,686 alleles (1.2%); highest among the groups gnomAD compares: East Asian, 2.6%; 119 homozygotes.

Submissions (2):

GeneDx
Classification: Likely benign. Last evaluated: 2018-06-12. Review status: criteria provided, single submitter. Criteria: GeneDx Variant Classification (06012015). Collection method: clinical testing. Allele origin: germline. Affected: yes.
Comment: This variant is considered likely benign or benign based on one or more of the following criteria: it is a conservative change, it occurs at a poorly conserved position in the protein, it is predicted to be benign by multiple in silico algorithms, and/or has population frequency not consistent with disease.

Breakthrough Genomics
Classification: Likely benign. Review status: criteria provided, single submitter. Criteria: ACMG Guidelines, 2015. Collection method: not provided. Allele origin: germline. Inheritance: Autosomal dominant inheritance. Affected: yes.

NM_000264.5(PTCH1):c.1215+143C>T

Gene: PTCH1 (patched 1; minus strand). Cytogenetic location: 9q22.32.
Variant type: single nucleotide variant.
Coding change: c.1215+143C>T on transcript NM_000264.5 (MANE Select); 143 bases into the intron after coding-DNA position 1215, C replaced by T.
Molecular consequence: intron variant.
Genome position (GRCh38, 1-based): chr9:95,478,857, G>A on the plus strand (C>T on the coding strand, the complement: PTCH1 is on the minus strand). VCF-style: chr9-95478857-G-A. GRCh37 (hg19) VCF-style: chr9-98241139-G-A.
Other names: c.1212+143C>T (NM_001083603.3); c.1017+143C>T (NM_001083602.3); c.1215+143C>T (NM_001354918.2); c.762+143C>T (NM_001083605.3, NM_001083604.3, NM_001083606.3 and 1 more transcripts).
Identifiers: ClinVar variation 676913 (VCV000676913.2), dbSNP rs55986818, ClinGen allele CA196594746.